The following is an entry in ClinVar:

ClinVar aggregate classification (germline): Pathogenic/Likely pathogenic. Review status: criteria provided, multiple submitters, no conflicts (2 of 4 stars). 3 submissions from 3 submitters: Pathogenic (1); Likely pathogenic (2). Last evaluated 2025-07-30.

Conditions:
Dyskeratosis congenita, autosomal recessive 5 (DKCB5). Identifiers: MedGen C3554656, MONDO:0014076, OMIM 615190.
Pulmonary fibrosis and/or bone marrow failure, Telomere-related, 3. Also called: PULMONARY FIBROSIS AND/OR BONE MARROW FAILURE SYNDROME, TELOMERE-RELATED, 3. Identifiers: Orphanet 2032, MedGen C4225346, MONDO:0014613, OMIM 616373.
Dyskeratosis congenita. Identifiers: Orphanet 1775, MedGen C0265965, MONDO:0015780.
Interstitial lung disease 2 (ILD2). Also called: FIBROCYSTIC PULMONARY DYSPLASIA; FIBROSING ALVEOLITIS, CRYPTOGENIC; Familial idiopathic pulmonary fibrosis. Identifiers: Orphanet 2032, Orphanet 79126, MedGen C5561926, MONDO:0800497, OMIM 178500, MONDO:0800029.

Allele frequency attached by ClinVar (database versions not stated): TOPMed below 0.00001; gnomAD exomes 0.00001.
gnomAD v4.1: 10 of 1,612,528 alleles (0.00062%); highest among the groups gnomAD compares: Non-Finnish European, 0.00085%; no homozygotes.

Submissions (3):

Labcorp Genetics (formerly Invitae), Labcorp
Classification: Likely pathogenic for Dyskeratosis congenita, autosomal recessive 5; Pulmonary fibrosis and/or bone marrow failure, Telomere-related, 3. Last evaluated: 2025-07-30. Review status: criteria provided, single submitter. Criteria: Invitae Variant Classification Sherloc (09022015). Collection method: clinical testing. Allele origin: germline.
Comment: This sequence change affects an acceptor splice site in intron 17 of the RTEL1 gene. It is expected to disrupt RNA splicing. Variants that disrupt the donor or acceptor splice site typically lead to a loss of protein function (PMID: 16199547), and loss-of-function variants in RTEL1 are known to be pathogenic (PMID: 23453664, 23959892, 25607374). This variant is not present in population databases (gnomAD no frequency). Disruption of this splice site has been observed in individual(s) with pulmonary fibrosis (PMID: 25607374). ClinVar contains an entry for this variant (Variation ID: 217518). Algorithms developed to predict the effect of sequence changes on RNA splicing suggest that this variant may disrupt the consensus splice site. In summary, the currently available evidence indicates that the variant is pathogenic, but additional data are needed to prove that conclusively. Therefore, this variant has been classified as Likely Pathogenic.

Women's Health and Genetics/Laboratory Corporation of America, LabCorp
Classification: Likely pathogenic for Dyskeratosis congenita. Last evaluated: 2016-06-16. Review status: criteria provided, single submitter. Criteria: LabCorp Variant Classification Summary - May 2015. Collection method: clinical testing. Allele origin: germline.
Comment: Variant summary: The RTEL1 c.1554-1G>A variant involves the alteration of a conserved intronic nucleotide located at the invariant AG acceptor splice site of intron 17. One in silico tool predicts a damaging outcome while 3/5 splice site tools predict the variant to result in the loss of the acceptor site in intron 17 and additionally, 5/5 tools predict an activation of a cryptic splice site in exon 18 by the variant. It is absent in 117242 control chromosomes and to our knowledge, it was only reported in a family with idiopathic interstitial pneumonia. The affected family members (father and a daughter) carried the variant in heterozygosity. Persons with DKC may develop IPF and it is conceivable that IPF in a young person could be the first manifestation of DKC; thus, DKC should be considered in young persons with IPF (GeneReviews). One clinical diagnostic laboratory has classified this variant as Pathogenic. Taken together, this variant is currently classified as Likely Pathogenic.

University of Washington Center for Mendelian Genomics, University of Washington
Classification: Pathogenic for Interstitial lung disease 2. Last evaluated: 2015-05-19. Review status: criteria provided, single submitter. Criteria: Submitter's publication. Collection method: research. Allele origin: inherited. Affected: yes.

Literature cited by the submitters: PubMed 16199547 (cited by Labcorp Genetics (formerly Invitae), Labcorp); PubMed 23453664 (cited by Labcorp Genetics (formerly Invitae), Labcorp); PubMed 23959892 (cited by Labcorp Genetics (formerly Invitae), Labcorp); PubMed 25607374 (cited by Labcorp Genetics (formerly Invitae), Labcorp and Women's Health and Genetics/Laboratory Corporation of America, LabCorp).

NM_001283009.2(RTEL1):c.1482-1G>A

Genes: RTEL1-TNFRSF6B (RTEL1-TNFRSF6B readthrough (NMD candidate); plus strand), RTEL1 (regulator of telomere elongation helicase 1; plus strand). Cytogenetic location: 20q13.33.
Variant type: single nucleotide variant.
Coding change: c.1482-1G>A on transcript NM_001283009.2 (MANE Select); the canonical splice acceptor site of the intron before coding-DNA position 1482, G replaced by A.
Molecular consequence: splice acceptor variant.
Genome position (GRCh38, 1-based): chr20:63,687,936, G>A. VCF-style: chr20-63687936-G-A. GRCh37 (hg19) VCF-style: chr20-62319289-G-A.
Other names: c.813-1G>A (NM_001283010.1); c.1554-1G>A (NM_032957.5); c.1482-1G>A (NM_016434.4).
Identifiers: ClinVar variation 217518 (VCV000217518.4), dbSNP rs863225129, ClinGen allele CA279370.